The following is an entry in ClinVar:

NM_004612.4(TGFBR1):c.502C>T (p.Arg168Cys)

Gene: TGFBR1 (transforming growth factor beta receptor 1; plus strand). Cytogenetic location: 9q22.33.
Variant type: single nucleotide variant.
Coding change: c.502C>T on transcript NM_004612.4 (MANE Select); coding-DNA position 502, C replaced by T.
Protein change: p.Arg168Cys; replaces arginine 168 with cysteine.
Molecular consequence: missense variant. On other transcripts: intron variant (1).
Genome position (GRCh38, 1-based): chr9:99,132,667, C>T. VCF-style: chr9-99132667-C-T. GRCh37 (hg19) VCF-style: chr9-101894949-C-T.
Other names: c.514C>T, p.Arg172Cys (NM_001306210.2); c.343+3567C>T (NM_001130916.3); c.502C>T (NM_004612.2); short protein forms R168C, R172C.
Identifiers: ClinVar variation 374537 (VCV000374537.51), dbSNP rs1057519144, ClinGen allele CA16043783.

ClinVar aggregate classification (germline): Uncertain significance. Review status: criteria provided, multiple submitters, no conflicts (2 of 4 stars). 3 submissions from 3 submitters: Uncertain significance (3). Last evaluated 2024-10-30.

Conditions:
Familial thoracic aortic aneurysm and aortic dissection (TAAD). Also called: Thoracic aortic aneurysms and dissections. Identifiers: Orphanet 91387, MedGen C4707243, MONDO:0019625.

Allele frequency attached by ClinVar (database versions not stated): gnomAD 0.00001; gnomAD exomes 0.00001.

Submissions (3):

GeneDx
Classification: Uncertain significance. Last evaluated: 2024-10-30. Review status: criteria provided, single submitter. Criteria: GeneDx Variant Classification Process June 2021. Collection method: clinical testing. Allele origin: germline.
Comment: Has not been previously published as pathogenic or benign to our knowledge; Not observed at significant frequency in large population cohorts (gnomAD); In silico analysis indicates that this missense variant does not alter protein structure/function

Labcorp Genetics (formerly Invitae), Labcorp
Classification: Uncertain significance for Familial thoracic aortic aneurysm and aortic dissection. Last evaluated: 2024-10-24. Review status: criteria provided, single submitter. Criteria: Invitae Variant Classification Sherloc (09022015). Collection method: clinical testing. Allele origin: germline.
Comment: This sequence change replaces arginine, which is basic and polar, with cysteine, which is neutral and slightly polar, at codon 168 of the TGFBR1 protein (p.Arg168Cys). This variant is present in population databases (no rsID available, gnomAD 0.003%). This variant has not been reported in the literature in individuals affected with TGFBR1-related conditions. ClinVar contains an entry for this variant (Variation ID: 374537). Invitae Evidence Modeling of protein sequence and biophysical properties (such as structural, functional, and spatial information, amino acid conservation, physicochemical variation, residue mobility, and thermodynamic stability) indicates that this missense variant is not expected to disrupt TGFBR1 protein function with a negative predictive value of 95%. In summary, the available evidence is currently insufficient to determine the role of this variant in disease. Therefore, it has been classified as a Variant of Uncertain Significance.

CeGaT Center for Human Genetics Tuebingen
Classification: Uncertain significance. Last evaluated: 2016-08-01. Review status: criteria provided, single submitter. Criteria: CeGaT Center For Human Genetics Tuebingen Variant Classification Criteria Version 2. Collection method: clinical testing. Allele origin: germline. Affected: yes. Observed: 1 variant allele.